The following is an entry in ClinVar:

NM_012154.5(AGO2):c.1414G>A (p.Glu472Lys)

Gene: AGO2 (argonaute RISC catalytic component 2; minus strand). Cytogenetic location: 8q24.3.
Variant type: single nucleotide variant.
Coding change: c.1414G>A on transcript NM_012154.5 (MANE Select); coding-DNA position 1414, G replaced by A.
Protein change: p.Glu472Lys; replaces glutamic acid 472 with lysine.
Molecular consequence: missense variant.
Genome position (GRCh38, 1-based): chr8:140,549,288, C>T on the plus strand (G>A on the coding strand, the complement: AGO2 is on the minus strand). VCF-style: chr8-140549288-C-T. GRCh37 (hg19) VCF-style: chr8-141559387-C-T.
Other names: c.1414G>A, p.Glu472Lys (NM_001164623.3); short protein forms E472K.
Identifiers: ClinVar variation 3364110 (VCV003364110.1).

ClinVar aggregate classification (germline): Uncertain significance (1 of 4 stars; one submission).

Submission:

GeneDx
Classification: Uncertain significance. Last evaluated: 2023-11-09. Review status: criteria provided, single submitter. Criteria: GeneDx Variant Classification Process June 2021. Collection method: clinical testing. Allele origin: germline. Affected: yes.
Comment: Not observed at significant frequency in large population cohorts (gnomAD); In silico analysis supports that this missense variant does not alter protein structure/function; Has not been previously published as pathogenic or benign to our knowledge